The following is an entry in ClinVar:

ClinVar aggregate classification (germline): Uncertain significance. Review status: criteria provided, multiple submitters, no conflicts (2 of 4 stars). 3 submissions from 3 submitters: Uncertain significance (3). Last evaluated 2025-06-02.

Conditions:
Cardiovascular phenotype. Identifiers: MedGen CN230736.

Allele frequency attached by ClinVar (database versions not stated): gnomAD exomes below 0.00001; TOPMed below 0.00001.
gnomAD v4.1: 2 of 1,569,258 alleles (0.00013%); highest among the groups gnomAD compares: Non-Finnish European, 0.00017%; no homozygotes.

Submissions (3):

Women's Health and Genetics/Laboratory Corporation of America, LabCorp
Classification: Uncertain significance. Last evaluated: 2025-06-02. Review status: criteria provided, single submitter. Criteria: LabCorp Variant Classification Summary - May 2015. Collection method: clinical testing. Allele origin: germline.
Comment: Variant summary: TNXB c.1625T>A (p.Val542Glu) results in a non-conservative amino acid change in the encoded protein sequence. Algorithms developed to predict the effect of missense changes on protein structure and function are either unavailable or do not agree on the potential impact of this missense change. The frequency data for this variant in gnomAD is considered unreliable, as metrics indicate poor data quality at this position. To our knowledge, no occurrence of c.1625T>A in individuals affected with Ehlers-Danlos syndrome due to tenascin-X deficiency and no experimental evidence demonstrating its impact on protein function have been reported. ClinVar contains an entry for this variant (Variation ID: 1776686). Based on the evidence outlined above, the variant was classified as uncertain significance.

GeneDx
Classification: Uncertain significance. Last evaluated: 2024-02-09. Review status: criteria provided, single submitter. Criteria: GeneDx Variant Classification Process June 2021. Collection method: clinical testing. Allele origin: germline. Affected: yes.
Comment: Not observed at significant frequency in large population cohorts (gnomAD); In silico analysis supports that this missense variant has a deleterious effect on protein structure/function; Has not been previously published as pathogenic or benign to our knowledge

Ambry Genetics
Classification: Uncertain significance for Cardiovascular phenotype. Last evaluated: 2022-09-28. Review status: criteria provided, single submitter. Criteria: Ambry Variant Classification Scheme 2023. Collection method: clinical testing. Allele origin: germline.
Comment: The p.V542E variant (also known as c.1625T>A), located in coding exon 2 of the TNXB gene, results from a T to A substitution at nucleotide position 1625. The valine at codon 542 is replaced by glutamic acid, an amino acid with dissimilar properties. This amino acid position is conserved. In addition, this alteration is predicted to be tolerated by in silico analysis. Since supporting evidence is limited at this time, the clinical significance of this alteration remains unclear.

NM_001365276.2(TNXB):c.1625T>A (p.Val542Glu)

Gene: TNXB (tenascin XB; minus strand). Cytogenetic location: 6p21.33.
Variant type: single nucleotide variant.
Coding change: c.1625T>A on transcript NM_001365276.2 (MANE Select); coding-DNA position 1625, T replaced by A.
Protein change: p.Val542Glu; replaces valine 542 with glutamic acid.
Molecular consequence: missense variant.
Genome position (GRCh38, 1-based): chr6:32,096,228, A>T on the plus strand (T>A on the coding strand, the complement: TNXB is on the minus strand). VCF-style: chr6-32096228-A-T. GRCh37 (hg19) VCF-style: chr6-32064005-A-T.
Other names: c.1625T>A, p.Val542Glu (NM_019105.8); short protein forms V542E.
Identifiers: ClinVar variation 1776686 (VCV001776686.4), dbSNP rs1303851738, ClinGen allele CA363479159.